The following is an entry in ClinVar:

ClinVar aggregate classification (germline): Uncertain significance (1 of 4 stars; one submission).

Conditions:
Dilated cardiomyopathy 1JJ (CMD1JJ). Identifiers: Orphanet 154, MedGen C3808935, MONDO:0014095, OMIM 615235.

Allele frequency attached by ClinVar (database versions not stated): gnomAD exomes below 0.00001.
gnomAD v4.1: 21 of 1,609,656 alleles (0.0013%); highest among the groups gnomAD compares: Non-Finnish European, 0.0018%; no homozygotes.

Submission:

Labcorp Genetics (formerly Invitae), Labcorp
Classification: Uncertain significance for Dilated cardiomyopathy 1JJ. Last evaluated: 2021-09-25. Review status: criteria provided, single submitter. Criteria: Invitae Variant Classification Sherloc (09022015). Collection method: clinical testing. Allele origin: germline.
Comment: In summary, the available evidence is currently insufficient to determine the role of this variant in disease. Therefore, it has been classified as a Variant of Uncertain Significance. Algorithms developed to predict the effect of missense changes on protein structure and function are either unavailable or do not agree on the potential impact of this missense change (SIFT: "Tolerated"; PolyPhen-2: "Possibly Damaging"; Align-GVGD: "Class C0"). This variant has not been reported in the literature in individuals with LAMA4-related conditions. This variant is not present in population databases (ExAC no frequency). This sequence change replaces arginine with serine at codon 1149 of the LAMA4 protein (p.Arg1149Ser). The arginine residue is highly conserved and there is a moderate physicochemical difference between arginine and serine.

NM_001105206.3(LAMA4):c.3468G>T (p.Arg1156Ser)

Gene: LAMA4 (laminin subunit alpha 4; minus strand). Cytogenetic location: 6q21.
Variant type: single nucleotide variant.
Coding change: c.3468G>T on transcript NM_001105206.3 (MANE Select); coding-DNA position 3468, G replaced by T.
Protein change: p.Arg1156Ser; replaces arginine 1156 with serine.
Molecular consequence: missense variant.
Genome position (GRCh38, 1-based): chr6:112,134,556, C>A on the plus strand (G>T on the coding strand, the complement: LAMA4 is on the minus strand). VCF-style: chr6-112134556-C-A. GRCh37 (hg19) VCF-style: chr6-112455758-C-A.
Other names: c.3447G>T, p.Arg1149Ser (NM_001105207.3, NM_002290.5); short protein forms R1149S, R1156S.
Identifiers: ClinVar variation 1444998 (VCV001444998.6), dbSNP rs1554330896, ClinGen allele CA365377081.